The following is an entry in ClinVar:

NM_001080508.3(TBX18):c.382C>T (p.Arg128Trp)

Gene: TBX18 (T-box transcription factor 18; minus strand). Cytogenetic location: 6q14.3.
Variant type: single nucleotide variant.
Coding change: c.382C>T on transcript NM_001080508.3 (MANE Select); coding-DNA position 382, C replaced by T.
Protein change: p.Arg128Trp; replaces arginine 128 with tryptophan.
Molecular consequence: missense variant.
Genome position (GRCh38, 1-based): chr6:84,762,659, G>A on the plus strand (C>T on the coding strand, the complement: TBX18 is on the minus strand). VCF-style: chr6-84762659-G-A. GRCh37 (hg19) VCF-style: chr6-85472377-G-A.
Other names: short protein forms R128W.
Identifiers: ClinVar variation 5010020 (VCV005010020.1).

ClinVar aggregate classification (germline): Uncertain significance (1 of 4 stars; one submission).

gnomAD v4.1: 1 of 1,610,504 alleles (0.000062%); no homozygotes.

Submission:

GeneDx
Classification: Uncertain significance. Last evaluated: 2026-02-23. Review status: criteria provided, single submitter. Criteria: GeneDx Variant Classification Process June 2021. Collection method: clinical testing. Allele origin: germline.
Comment: Not observed at significant frequency in large population cohorts (gnomAD); In silico analysis suggests that this missense variant does not alter protein structure/function; Has not been previously published as pathogenic or benign to our knowledge